The following is an entry in ClinVar:

ClinVar aggregate classification (germline): Likely pathogenic (1 of 4 stars; one submission).

Conditions:
Cardiovascular phenotype. Identifiers: MedGen CN230736.

Submission:

Ambry Genetics
Classification: Likely pathogenic for Cardiovascular phenotype. Last evaluated: 2025-06-06. Review status: criteria provided, single submitter. Criteria: Ambry Variant Classification Scheme 2023. Collection method: clinical testing. Allele origin: germline.
Comment: The c.21539delA variant, located in coding exon 87 of the TTN gene, results from a deletion of one nucleotide at nucleotide position 21539, causing a translational frameshift with a predicted alternate stop codon (p.E7180Gfs*18). This exon is located in the A-band region of the N2-B isoform of the titin protein and is constitutively expressed in TTN transcripts (percent spliced in or PSI 100%). This variant is expected to result in loss of function by premature protein truncation or nonsense-mediated mRNA decay. While truncating variants in TTN are present in 1-3% of the general population, truncating variants in the A-band are the most common cause of dilated cardiomyopathy (Herman DS et al. N. Engl. J. Med., 2012 Feb;366:619-28; Roberts AM et al. Sci Transl Med, 2015 Jan;7:270ra6). TTN truncating variants encoded in constitutive exons (PSI >90%) have been found to be significantly associated with DCM regardless of their position in titin (Schafer S et al. Nat. Genet., 2017 01;49:46-53; Akhtar MM et al. Circ Heart Fail, 2020 Oct;13:e006832; Massier M et al. Clin Genet, 2025 Jan). This variant is considered to be rare based on population cohorts in the Genome Aggregation Database (gnomAD). Based on the majority of available evidence to date, this variant is likely to be pathogenic.

NM_001267550.2(TTN):c.48734del (p.Glu16245fs)

Genes: TTN (titin; minus strand), TTN-AS1 (TTN antisense RNA 1; plus strand), LOC126806426 (BRD4-independent group 4 enhancer GRCh37_chr2:179478848-179480047; plus strand). Cytogenetic location: 2q31.2.
Variant type: Deletion.
Coding change: c.48734del on transcript NM_001267550.2 (MANE Select); coding-DNA position 48734, one base deleted (A; older notation c.48734delA).
Protein change: p.Glu16245fs; shifts the reading frame from glutamic acid 16245.
Molecular consequence: frameshift variant.
Genome position (GRCh38, 1-based): chr2:178,614,873, T deleted on the plus strand (A on the coding strand, the reverse complement: TTN is on the minus strand). VCF-style (leftmost placement, unchanged base first): chr2-178614872-CT-C. GRCh37 (hg19) VCF-style: chr2-179479599-CT-C.
Other names: c.43811del, p.Glu14604fs (NM_001256850.1); c.21539del, p.Glu7180fs (NM_003319.4); c.41030del, p.Glu13677fs (NM_133378.4); c.21914del, p.Glu7305fs (NM_133432.3); c.22115del, p.Glu7372fs (NM_133437.4); c.21539delA (NM_003319.4); short protein forms E7180fs, E7305fs, E13677fs, E14604fs, E16245fs, E7372fs.
Identifiers: ClinVar variation 3975840 (VCV003975840.1).